The following is an entry in ClinVar:

NM_031900.4(AGXT2):c.1131C>T (p.His377=)

Gene: AGXT2 (alanine--glyoxylate aminotransferase 2; minus strand). Cytogenetic location: 5p13.2.
Variant type: single nucleotide variant.
Coding change: c.1131C>T on transcript NM_031900.4 (MANE Select); coding-DNA position 1131, C replaced by T.
Protein change: p.His377=; no amino-acid change (histidine 377 retained).
Molecular consequence: synonymous variant. On other transcripts: intron variant (2).
Genome position (GRCh38, 1-based): chr5:35,013,011, G>A on the plus strand (C>T on the coding strand, the complement: AGXT2 is on the minus strand). VCF-style: chr5-35013011-G-A. GRCh37 (hg19) VCF-style: chr5-35013116-G-A.
Other names: c.1128C>T, p.His376= (NM_001438583.1); c.936C>T, p.His312= (NM_001438584.1); c.855C>T, p.His285= (NM_001438585.1); c.964-2862C>T (NM_001306173.2, NM_001438050.1).
Identifiers: ClinVar variation 4535378 (VCV004535378.6).

ClinVar aggregate classification (germline): Likely benign (1 of 4 stars; one submission).

gnomAD v4.1: 2 of 1,551,730 alleles (0.00013%); highest among the groups gnomAD compares: East Asian, 0.0024%; no homozygotes.

Submission:

CeGaT Center for Human Genetics Tuebingen
Classification: Likely benign. Last evaluated: 2025-11-01. Review status: criteria provided, single submitter. Criteria: CeGaT Center For Human Genetics Tuebingen Variant Classification Criteria Version 2. Collection method: clinical testing. Allele origin: germline. Affected: yes. Observed: 1 variant allele.
Comment: AGXT2: BP4, BP7